The following is an entry in ClinVar:

NC_000003.11:g.(?_57130421)_(57303715_?)dup

Genes: HESX1 (HESX homeobox 1; minus strand), ASB14 (ankyrin repeat and SOCS box containing 14; minus strand), APPL1 (adaptor protein, phosphotyrosine interacting with PH domain and leucine zipper 1; plus strand), IL17RD (interleukin 17 receptor D; minus strand). Cytogenetic location: 3p14.3.
Variant type: Duplication.
Identifiers: ClinVar variation 2424783 (VCV002424783.4).

ClinVar aggregate classification (germline): Uncertain significance (1 of 4 stars; one submission).

Conditions:
GROWTH HORMONE DEFICIENCY WITH PITUITARY ANOMALIES. Identifiers: MedGen C2750027, OMIM 182230.
Septo-optic dysplasia sequence (SOD). Also called: Septo-optic dysplasia; DE MORSIER SYNDROME. Identifiers: Orphanet 3157, MedGen C0338503, MONDO:0008428, OMIM 182230, HP:0100842.

Submission:

Labcorp Genetics (formerly Invitae), Labcorp
Classification: Uncertain significance for GROWTH HORMONE DEFICIENCY WITH PITUITARY ANOMALIES; Septo-optic dysplasia sequence. Last evaluated: 2022-07-25. Review status: criteria provided, single submitter. Criteria: Invitae Variant Classification Sherloc (09022015). Collection method: clinical testing. Allele origin: germline.
Comment: In summary, the available evidence is currently insufficient to determine the role of this variant in disease. Therefore, it has been classified as a Variant of Uncertain Significance. Isolated whole-gene copy number gains of HESX1 have not been reported in the literature. However, larger copy number events that include this gene have been reported (PMID: 32796691). A copy number gain of the genomic region encompassing the full coding sequence of the HESX1 gene has been identified. The boundaries of this event are unknown as they extend beyond the assayed region for this gene and therefore may encompass additional genes. As the precise location of this event is unknown, it may be in tandem or it may be located elsewhere in the genome.

Literature cited by the submitters: PubMed 32796691.